The following is an entry in ClinVar:

ClinVar aggregate classification (germline): Uncertain significance. Review status: criteria provided, multiple submitters, no conflicts (2 of 4 stars). 2 submissions from 2 submitters: Uncertain significance (2). Last evaluated 2021-12-22.

Conditions:
Cataract 41 (CTRCT41). Also called: CATARACT 41, CONGENITAL NUCLEAR TYPE. Identifiers: Orphanet 91492, Orphanet 98991, Orphanet 98992, Orphanet 98995, MedGen C3805412, MONDO:0007287, OMIM 116400.
Wolfram syndrome 1 (WFS1). Identifiers: Orphanet 3463, MedGen C4551693, MONDO:0009101, OMIM 222300.
Autosomal dominant nonsyndromic hearing loss 6 (LFSNHL). Also called: Autosomal dominant nonsyndromic deafness 6; DEAFNESS, AUTOSOMAL DOMINANT 6; DEAFNESS, AUTOSOMAL DOMINANT 14; DEAFNESS, AUTOSOMAL DOMINANT 38. Identifiers: Orphanet 90635, MedGen C1833021, MONDO:0010963, OMIM 600965.
Type 2 diabetes mellitus. Also called: Type II diabetes mellitus. Identifiers: MedGen C0011860, MeSH D003924, MONDO:0005148, OMIM 125853, HP:0005978.
Wolfram-like syndrome. Also called: HEARING LOSS, PROGRESSIVE, WITH OPTIC ATROPHY AND/OR IMPAIRED GLUCOSE REGULATION. Identifiers: Orphanet 411590, MedGen C3280358, MONDO:0013673, OMIM 614296.

Allele frequency attached by ClinVar (database versions not stated): gnomAD 0.00001.
gnomAD v4.1: 5 of 1,613,210 alleles (0.00031%); highest among the groups gnomAD compares: Non-Finnish European, 0.00042%; no homozygotes.

Submissions (2):

Fulgent Genetics
Classification: Uncertain significance for Cataract 41; Type 2 diabetes mellitus; Wolfram syndrome 1; Autosomal dominant nonsyndromic hearing loss 6; Wolfram-like syndrome. Last evaluated: 2021-12-22. Review status: criteria provided, single submitter. Criteria: ACMG Guidelines, 2015. Collection method: clinical testing. Allele origin: unknown.

Laboratory for Molecular Medicine, Mass General Brigham Personalized Medicine
Classification: Uncertain significance. Last evaluated: 2015-12-04. Review status: criteria provided, single submitter. Criteria: LMM Criteria. Collection method: clinical testing. Allele origin: germline. Observed: 1 variant allele.
Comment: The p.Ala569Thr variant in WFS1 has not been previously identified in individual s with hearing loss or Wolfram syndrome and was absent from large population stu dies. An different amino acid change at the same position (p.Ala569Val) was ide ntified in an individual with clinical features consistent with early onset Wolf ram syndrome (Chaussenot 2015); however, a second variant was not identified in that individual. Computational prediction tools and conservation analysis of the p.Ala569Thr variant do not provide strong support for or against an impact to t he protein. In summary, the clinical significance of the p.Ala569Thr variant is uncertain.

Literature cited by the submitters: PubMed 20301750 (cited by Laboratory for Molecular Medicine, Mass General Brigham Personalized Medicine); PubMed 24890733 (cited by Laboratory for Molecular Medicine, Mass General Brigham Personalized Medicine).

NM_006005.3(WFS1):c.1705G>A (p.Ala569Thr)

Gene: WFS1 (wolframin ER transmembrane glycoprotein; plus strand). Cytogenetic location: 4p16.1.
Variant type: single nucleotide variant.
Coding change: c.1705G>A on transcript NM_006005.3 (MANE Select); coding-DNA position 1705, G replaced by A.
Protein change: p.Ala569Thr; replaces alanine 569 with threonine.
Molecular consequence: missense variant.
Genome position (GRCh38, 1-based): chr4:6,301,500, G>A. VCF-style: chr4-6301500-G-A. GRCh37 (hg19) VCF-style: chr4-6303227-G-A.
Other names: c.1705G>A, p.Ala569Thr (NM_001145853.1); short protein forms A569T.
Identifiers: ClinVar variation 229639 (VCV000229639.6), dbSNP rs876658118, ClinGen allele CA10576639.